The following is an entry in ClinVar:

NM_014874.4(MFN2):c.408A>T (p.Val136=)

Gene: MFN2 (mitofusin 2; plus strand). Cytogenetic location: 1p36.22.
Variant type: single nucleotide variant.
Coding change: c.408A>T on transcript NM_014874.4 (MANE Select); coding-DNA position 408, A replaced by T.
Protein change: p.Val136=; no amino-acid change (valine 136 retained).
Molecular consequence: synonymous variant.
Genome position (GRCh38, 1-based): chr1:11,996,252, A>T. VCF-style: chr1-11996252-A-T. GRCh37 (hg19) VCF-style: chr1-12056309-A-T.
Other names: p.V136V:GTA>GTT; c.408A>T, p.Val136= (NM_001127660.2).
Identifiers: ClinVar variation 138210 (VCV000138210.33), dbSNP rs78814413, ClinGen allele CA292061.

ClinVar aggregate classification (germline): Benign/Likely benign. Review status: criteria provided, multiple submitters, no conflicts (2 of 4 stars). 10 submissions from 9 submitters: Benign (4); Likely benign (4). 2 of the submissions do not count toward it. Last evaluated 2026-02-02.

Conditions:
Charcot-Marie-Tooth disease type 2A2. Also called: CHARCOT-MARIE-TOOTH DISEASE, NEURONAL, TYPE 2A2; HEREDITARY MOTOR AND SENSORY NEUROPATHY IIA2; HMSN IIA2; Charcot-Marie-Tooth Neuropathy Type 2A2; CHARCOT-MARIE-TOOTH DISEASE, AXONAL, AUTOSOMAL DOMINANT, TYPE 2A2A; CHARCOT-MARIE-TOOTH DISEASE, AXONAL, TYPE 2A2. Identifiers: Orphanet 99947, MedGen C4721887, MONDO:0012231, OMIM 609260.
Charcot-Marie-Tooth disease, axonal, autosomal recessive, type 2a2b;. Also called: Charcot-Marie-Tooth disease, axonal, autosomal recessive, type 2A2B; Charcot-Marie-Tooth disease, axonal, type 2A2B. Identifiers: MedGen C4310725, MONDO:0014906, OMIM 617087.
Neuropathy, hereditary motor and sensory, type 6A (HMSN6A). Also called: NEUROPATHY, HEREDITARY MOTOR AND SENSORY, TYPE VIA; NEUROPATHY, HEREDITARY MOTOR AND SENSORY, TYPE VIA, WITH OPTIC ATROPHY; HMSN VIA; CHARCOT-MARIE-TOOTH DISEASE, TYPE 6A. Identifiers: MedGen CN305336, MONDO:0011002, OMIM 601152.
Charcot-Marie-Tooth disease type 2. Also called: Charcot-Marie-Tooth type 2. Identifiers: Orphanet 64746, MedGen C0270914, MONDO:0018993.
Charcot-Marie-Tooth disease. Also called: Charcot-Marie-Tooth Neuropathy; Charcot-Marie-Tooth Hereditary Neuropathy. Identifiers: Orphanet 166, MedGen C0007959, MONDO:0015626.
Hereditary motor and sensory neuropathy with optic atrophy. Also called: PERIPHERAL NEUROPATHY AND OPTIC ATROPHY; CHARCOT-MARIE-TOOTH DISEASE, TYPE 6. Identifiers: Orphanet 90120, MedGen C0393807, MONDO:0019551.

Allele frequency attached by ClinVar (database versions not stated): ESP Exome Variant Server 0.00008; TOPMed 0.00208; gnomAD 0.00106 and 0.00186; ExAC 0.00488; 1000 Genomes Project 30x 0.01077; 1000 Genomes Project 0.01238; gnomAD exomes 0.00185 and 0.00509.
gnomAD v4.1: 3,056 of 1,614,220 alleles (0.19%); highest among the groups gnomAD compares: East Asian, 3.6%; 57 homozygotes.

Submissions (10):

Labcorp Genetics (formerly Invitae), Labcorp
Classification: Benign for Charcot-Marie-Tooth disease type 2. Last evaluated: 2026-02-02. Review status: criteria provided, single submitter. Criteria: Invitae Variant Classification Sherloc (09022015). Collection method: clinical testing. Allele origin: germline.

ARUP Laboratories, Molecular Genetics and Genomics, ARUP Laboratories
Classification: Benign. Last evaluated: 2024-11-21. Review status: criteria provided, single submitter. Criteria: ARUP Molecular Germline Variant Investigation Process 2024. Collection method: clinical testing. Allele origin: germline.

Athena Diagnostics
Classification: Benign. Last evaluated: 2024-06-25. Review status: criteria provided, single submitter. Criteria: Athena Diagnostics Criteria. Collection method: clinical testing. Allele origin: unknown.

Fulgent Genetics
Classification: Likely benign for Neuropathy, hereditary motor and sensory, type 6A; Charcot-Marie-Tooth disease type 2A2; Charcot-Marie-Tooth disease, axonal, autosomal recessive, type 2a2b;. Last evaluated: 2021-08-10. Review status: criteria provided, single submitter. Criteria: ACMG Guidelines, 2015. Collection method: clinical testing. Allele origin: unknown.

Illumina Laboratory Services, Illumina
Classification: Likely benign for Neuropathy, hereditary motor and sensory, type 6A. Last evaluated: 2017-04-27. Review status: criteria provided, single submitter. Criteria: ICSL Variant Classification Criteria 13 December 2019. Collection method: clinical testing. Allele origin: germline.
Comment: This variant was observed as part of a predisposition screen in an ostensibly healthy population. A literature search was performed for the gene, cDNA change, and amino acid change (where applicable). No publications were found based on this search. Allele frequency data from public databases allowed determination this variant is unlikely to cause disease. Therefore, this variant is classified as likely benign.

Illumina Laboratory Services, Illumina
Classification: Likely benign for Charcot-Marie-Tooth disease, type 2. Last evaluated: 2017-04-27. Review status: criteria provided, single submitter. Criteria: ICSL Variant Classification Criteria 13 December 2019. Collection method: clinical testing. Allele origin: germline.
Comment: the same text as in the submission from Illumina Laboratory Services, Illumina above.

GeneDx
Classification: Benign. Last evaluated: 2014-05-16. Review status: criteria provided, single submitter. Criteria: GeneDx Variant Classification (06012015). Collection method: clinical testing. Allele origin: germline. Affected: yes.
Comment: This variant is considered likely benign or benign based on one or more of the following criteria: it is a conservative change, it occurs at a poorly conserved position in the protein, it is predicted to be benign by multiple in silico algorithms, and/or has population frequency not consistent with disease.

Molecular Genetics Laboratory, London Health Sciences Centre
Classification: Likely benign for Charcot-Marie-Tooth disease. Review status: criteria provided, single submitter. Criteria: ACMG Guidelines, 2015. Collection method: clinical testing. Allele origin: germline. Affected: yes.

Clinical Genetics DNA and cytogenetics Diagnostics Lab, Erasmus MC, Erasmus Medical Center
Classification: Likely benign. Review status: no assertion criteria provided. Collection method: clinical testing. Allele origin: germline. Affected: yes. Study: VKGL Data-share Consensus. Not counted in ClinVar's aggregate classification.

Clinical Genetics, Academic Medical Center
Classification: Benign. Review status: no assertion criteria provided. Collection method: clinical testing. Allele origin: germline. Affected: yes. Study: VKGL Data-share Consensus. Not counted in ClinVar's aggregate classification.

Literature cited by the submitters: PubMed 27553710 (cited by Athena Diagnostics); PubMed 15549395 (cited by Athena Diagnostics); PubMed 16835246 (cited by Athena Diagnostics).